The following is an entry in ClinVar:

ClinVar aggregate classification (germline): Benign (1 of 4 stars; one submission).

Allele frequency attached by ClinVar (database versions not stated): TOPMed 0.03409; 1000 Genomes Project 30x 0.06871; 1000 Genomes Project 0.07248; gnomAD 0.02673 and 0.03021.
gnomAD v4.1: 4,568 of 152,290 alleles (3%); highest among the groups gnomAD compares: East Asian, 26%; 290 homozygotes.

Submission:

GeneDx
Classification: Benign. Last evaluated: 2018-06-14. Review status: criteria provided, single submitter. Criteria: GeneDx Variant Classification (06012015). Collection method: clinical testing. Allele origin: germline. Affected: yes.
Comment: This variant is considered likely benign or benign based on one or more of the following criteria: it is a conservative change, it occurs at a poorly conserved position in the protein, it is predicted to be benign by multiple in silico algorithms, and/or has population frequency not consistent with disease.

NM_001371596.2(MFSD8):c.155-307T>C

Gene: MFSD8 (major facilitator superfamily domain containing 8; minus strand). Cytogenetic location: 4q28.2.
Variant type: single nucleotide variant.
Coding change: c.155-307T>C on transcript NM_001371596.2 (MANE Select); 307 bases into the intron before coding-DNA position 155, T replaced by C.
Molecular consequence: intron variant.
Genome position (GRCh38, 1-based): chr4:127,950,154, A>G on the plus strand (T>C on the coding strand, the complement: MFSD8 is on the minus strand). VCF-style: chr4-127950154-A-G. GRCh37 (hg19) VCF-style: chr4-128871309-A-G.
Other names: c.20-307T>C (NM_001371595.1, NM_001410765.1, NM_001371590.2); c.155-307T>C (NM_152778.4, NM_001363521.3, NM_001410766.1 and 5 more transcripts).
Identifiers: ClinVar variation 671192 (VCV000671192.3), dbSNP rs4431238, ClinGen allele CA15320547.